The following is an entry in ClinVar:

NM_001035.3(RYR2):c.10948G>C (p.Glu3650Gln)

Gene: RYR2 (ryanodine receptor 2; plus strand). Cytogenetic location: 1q43.
Variant type: single nucleotide variant.
Coding change: c.10948G>C on transcript NM_001035.3 (MANE Select); coding-DNA position 10948, G replaced by C.
Protein change: p.Glu3650Gln; replaces glutamic acid 3650 with glutamine.
Molecular consequence: missense variant.
Genome position (GRCh38, 1-based): chr1:237,732,058, G>C. VCF-style: chr1-237732058-G-C. GRCh37 (hg19) VCF-style: chr1-237895358-G-C.
Other names: short protein forms E3650Q.
Identifiers: ClinVar variation 854229 (VCV000854229.11), dbSNP rs1690737524, ClinGen allele CA345418921.
Genomic context (GRCh38, chr1:237,732,058, plus strand): 5'-GAACATTTTTTTTTAATGTGACATTTTATAAATTTGACTTTTTTGCAGAAACCTGGGGCT[G>C]AACCTCCAGAAGAAGATGAAGGCACTAAGAGAGTTGATCCTCTACATCAGCTGATCCTTC-3'
Protein context (NP_001026.2, residues 3640-3660): LIEDLAKPGA[Glu3650Gln]PPEEDEGTKR

ClinVar aggregate classification (germline): Uncertain significance (1 of 4 stars; one submission).

Conditions:
Catecholaminergic polymorphic ventricular tachycardia 1. Also called: VENTRICULAR TACHYCARDIA, CATECHOLAMINERGIC POLYMORPHIC, 1, WITH OR WITHOUT ATRIAL DYSFUNCTION AND/OR DILATED CARDIOMYOPATHY; VENTRICULAR TACHYCARDIA, STRESS-INDUCED POLYMORPHIC 1; RYR2-Related Catecholaminergic Polymorphic Ventricular Tachycardia. Identifiers: Orphanet 3286, MedGen C1631597, MONDO:0011484, OMIM 604772.

Submission:

Labcorp Genetics (formerly Invitae), Labcorp
Classification: Uncertain significance for Catecholaminergic polymorphic ventricular tachycardia 1. Last evaluated: 2019-11-27. Review status: criteria provided, single submitter. Criteria: Invitae Variant Classification Sherloc (09022015). Collection method: clinical testing. Allele origin: germline.
Comment: In summary, the available evidence is currently insufficient to determine the role of this variant in disease. Therefore, it has been classified as a Variant of Uncertain Significance. Algorithms developed to predict the effect of missense changes on protein structure and function are either unavailable or do not agree on the potential impact of this missense change (SIFT: "Deleterious"; PolyPhen-2: "Benign"; Align-GVGD: "Class C0"). This variant has not been reported in the literature in individuals with RYR2-related conditions. This variant is not present in population databases (ExAC no frequency). This sequence change replaces glutamic acid with glutamine at codon 3650 of the RYR2 protein (p.Glu3650Gln). The glutamic acid residue is highly conserved and there is a small physicochemical difference between glutamic acid and glutamine.